The following is an entry in ClinVar:

NM_002677.5(PMP2):c.137A>C (p.Lys46Thr)

Gene: PMP2 (peripheral myelin protein 2; minus strand). Cytogenetic location: 8q21.13.
Variant type: single nucleotide variant.
Coding change: c.137A>C on transcript NM_002677.5 (MANE Select); coding-DNA position 137, A replaced by C.
Protein change: p.Lys46Thr; replaces lysine 46 with threonine.
Molecular consequence: missense variant. On other transcripts: intron variant (1).
Genome position (GRCh38, 1-based): chr8:81,444,926, T>G on the plus strand (A>C on the coding strand, the complement: PMP2 is on the minus strand). VCF-style: chr8-81444926-T-G. GRCh37 (hg19) VCF-style: chr8-82357161-T-G.
Other names: c.74-325A>C (NM_001348381.2); short protein forms K46T.
Identifiers: ClinVar variation 2851143 (VCV002851143.3), dbSNP rs2487481833, ClinGen allele CA371518144.

ClinVar aggregate classification (germline): Uncertain significance (1 of 4 stars; one submission).

Submission:

Labcorp Genetics (formerly Invitae), Labcorp
Classification: Uncertain significance. Last evaluated: 2023-03-31. Review status: criteria provided, single submitter. Criteria: Invitae Variant Classification Sherloc (09022015). Collection method: clinical testing. Allele origin: germline.
Comment: In summary, the available evidence is currently insufficient to determine the role of this variant in disease. Therefore, it has been classified as a Variant of Uncertain Significance. An algorithm developed to predict the effect of missense changes on protein structure and function (PolyPhen-2) suggests that this variant is likely to be tolerated. This variant has not been reported in the literature in individuals affected with PMP2-related conditions. This variant is not present in population databases (gnomAD no frequency). This sequence change replaces lysine, which is basic and polar, with threonine, which is neutral and polar, at codon 46 of the PMP2 protein (p.Lys46Thr).